The following is an entry in ClinVar:

NM_001267550.2(TTN):c.71300G>A (p.Arg23767Gln)

Genes: TTN (titin; minus strand), TTN-AS1 (TTN antisense RNA 1; plus strand). Cytogenetic location: 2q31.2.
Variant type: single nucleotide variant.
Coding change: c.71300G>A on transcript NM_001267550.2 (MANE Select); coding-DNA position 71300, G replaced by A.
Protein change: p.Arg23767Gln; replaces arginine 23767 with glutamine.
Molecular consequence: missense variant.
Genome position (GRCh38, 1-based): chr2:178,574,832, C>T on the plus strand (G>A on the coding strand, the complement: TTN is on the minus strand). VCF-style: chr2-178574832-C-T. GRCh37 (hg19) VCF-style: chr2-179439559-C-T.
Other names: p.Arg21199Gln; c.66377G>A, p.Arg22126Gln (NM_001256850.1); c.44105G>A, p.Arg14702Gln (NM_003319.4); c.63596G>A, p.Arg21199Gln (NM_133378.4); c.44480G>A, p.Arg14827Gln (NM_133432.3); c.44681G>A, p.Arg14894Gln (NM_133437.4); c.71300G>A (NM_001267550.1); short protein forms R23767Q, R14827Q, R14894Q, R21199Q, R14702Q, R22126Q.
Identifiers: ClinVar variation 467439 (VCV000467439.22), dbSNP rs370516890, ClinGen allele CA1990652.

ClinVar aggregate classification (germline): Conflicting classifications of pathogenicity. Review status: criteria provided, conflicting classifications (1 of 4 stars). 9 submissions from 9 submitters: Uncertain significance (5); Likely benign (4). Last evaluated 2025-12-04.

Conditions:
Autosomal recessive limb-girdle muscular dystrophy type 2J (LGMDR10). Also called: Limb-girdle muscular dystrophy, type 2J; MUSCULAR DYSTROPHY, LIMB-GIRDLE, AUTOSOMAL RECESSIVE 10. Identifiers: Orphanet 140922, MedGen C1837342, MONDO:0012127, OMIM 608807.
Dilated cardiomyopathy 1G (CMD1G). Identifiers: Orphanet 154, MedGen C1858763, MONDO:0011400, OMIM 604145.
TTN-related disorder. Also called: TTN-related condition; TTN-related disease; TTN-related disorders.
Cardiomyopathy (CMYO). Also called: Cardiomyopathies. Identifiers: Orphanet 167848, MedGen C0878544, MONDO:0004994, HP:0001638. Inheritance: Various modes of inheritance.

Allele frequency attached by ClinVar (database versions not stated): gnomAD exomes 0.00011; gnomAD 0.00012; TOPMed 0.00012; ExAC 0.00013; 1000 Genomes Project 30x 0.00016; ESP Exome Variant Server 0.00016; 1000 Genomes Project 0.00020.
gnomAD v4.1: 176 of 1,612,822 alleles (0.011%); highest among the groups gnomAD compares: African/African-American, 0.016%; no homozygotes.

Submissions (9):

PreventionGenetics, part of Exact Sciences
Classification: Uncertain significance for TTN-related condition. Last evaluated: 2025-12-04. Review status: criteria provided, single submitter. Criteria: ACMG Guidelines, 2015. Collection method: clinical testing. Allele origin: germline.
Comment: The TTN c.71300G>A variant is predicted to result in the amino acid substitution p.Arg23767Gln. This variant has been reported as a variant of uncertain significance in a case of stillbirth (Merc et al. 2024. PubMed ID: 38813989). This variant is reported in 0.017% of alleles in individuals of European (Non-Finnish) descent in gnomAD. Although we suspect that this variant may be benign, at this time, the clinical significance of this variant is uncertain due to the absence of conclusive functional and genetic evidence.

Athena Diagnostics
Classification: Uncertain significance. Last evaluated: 2025-03-13. Review status: criteria provided, single submitter. Criteria: Athena Diagnostics Criteria. Collection method: clinical testing. Allele origin: unknown.
Comment: Available data are insufficient to determine the clinical significance of the variant at this time. The frequency of this variant in the general population is uninformative in assessment of its pathogenicity. In some published literature, this variant is referred to as c.63596G>A, (p.Arg21199Gln). Polyphen and MutationTaster yielded discordant predictions regarding whether this amino acid change is damaging to the protein.

Laboratory of Genetics, Children's Clinical University Hospital Latvia
Classification: Likely benign. Last evaluated: 2025-02-16. Review status: criteria provided, single submitter. Criteria: ACMG Guidelines, 2015. Collection method: clinical testing. Allele origin: germline. Affected: yes.

Revvity Omics, Revvity
Classification: Uncertain significance. Last evaluated: 2024-02-14. Review status: criteria provided, single submitter. Criteria: ACMG Guidelines, 2015. Collection method: clinical testing. Allele origin: germline.

Blueprint Genetics
Classification: Likely benign. Last evaluated: 2024-02-03. Review status: criteria provided, single submitter. Criteria: ACMG Guidelines, 2015. Collection method: clinical testing. Allele origin: germline.

CHEO Genetics Diagnostic Laboratory, Children's Hospital of Eastern Ontario
Classification: Likely benign for Cardiomyopathy. Last evaluated: 2023-04-19. Review status: criteria provided, single submitter. Criteria: ACMG Guidelines, 2015. Collection method: clinical testing. Allele origin: germline.

Mayo Clinic Laboratories, Mayo Clinic
Classification: Uncertain significance. Last evaluated: 2021-07-07. Review status: criteria provided, single submitter. Criteria: ACMG Guidelines, 2015. Collection method: clinical testing. Allele origin: germline.

GeneDx
Classification: Likely benign. Last evaluated: 2020-08-17. Review status: criteria provided, single submitter. Criteria: GeneDx Variant Classification Process June 2021. Collection method: clinical testing. Allele origin: germline. Affected: yes.

Labcorp Genetics (formerly Invitae), Labcorp
Classification: Uncertain significance for Dilated cardiomyopathy 1G; Autosomal recessive limb-girdle muscular dystrophy type 2J. Last evaluated: 2017-10-12. Review status: criteria provided, single submitter. Criteria: Invitae Variant Classification Sherloc (09022015). Collection method: clinical testing. Allele origin: germline.

Literature cited by the submitters: PubMed 38813989 (cited by Athena Diagnostics); PubMed 31539150 (cited by Athena Diagnostics); PubMed 29420653 (cited by Athena Diagnostics).